The following is an entry in ClinVar:

ClinVar aggregate classification (germline): Uncertain significance (1 of 4 stars; one submission).

Conditions:
Dyskeratosis congenita. Identifiers: Orphanet 1775, MedGen C0265965, MONDO:0015780.

Submission:

Labcorp Genetics (formerly Invitae), Labcorp
Classification: Uncertain significance for Dyskeratosis congenita. Last evaluated: 2024-11-05. Review status: criteria provided, single submitter. Criteria: Invitae Variant Classification Sherloc (09022015). Collection method: clinical testing. Allele origin: germline.
Comment: This sequence change replaces histidine, which is basic and polar, with arginine, which is basic and polar, at codon 494 of the CTC1 protein (p.His494Arg). This variant is not present in population databases (gnomAD no frequency). This variant has not been reported in the literature in individuals affected with CTC1-related conditions. An algorithm developed to predict the effect of missense changes on protein structure and function outputs the following: PolyPhen-2: "Benign". The arginine amino acid residue is found in multiple mammalian species, which suggests that this missense change does not adversely affect protein function. In summary, the available evidence is currently insufficient to determine the role of this variant in disease. Therefore, it has been classified as a Variant of Uncertain Significance.

NM_025099.6(CTC1):c.1481A>G (p.His494Arg)

Gene: CTC1 (CST telomere replication complex component 1; minus strand). Cytogenetic location: 17p13.1.
Variant type: single nucleotide variant.
Coding change: c.1481A>G on transcript NM_025099.6 (MANE Select); coding-DNA position 1481, A replaced by G.
Protein change: p.His494Arg; replaces histidine 494 with arginine.
Molecular consequence: missense variant. On other transcripts: non-coding transcript variant (1).
Genome position (GRCh38, 1-based): chr17:8,234,885, T>C on the plus strand (A>G on the coding strand, the complement: CTC1 is on the minus strand). VCF-style: chr17-8234885-T-C. GRCh37 (hg19) VCF-style: chr17-8138203-T-C.
Other names: c.1481A>G, p.His494Arg (NM_001411067.1); short protein forms H494R.
Identifiers: ClinVar variation 3713670 (VCV003713670.2).